The following is an entry in ClinVar:

NM_000138.5(FBN1):c.3259G>A (p.Val1087Met)

Gene: FBN1 (fibrillin 1; minus strand). Cytogenetic location: 15q21.1.
Variant type: single nucleotide variant.
Coding change: c.3259G>A on transcript NM_000138.5 (MANE Select); coding-DNA position 3259, G replaced by A.
Protein change: p.Val1087Met; replaces valine 1087 with methionine.
Molecular consequence: missense variant.
Genome position (GRCh38, 1-based): chr15:48,488,191, C>T on the plus strand (G>A on the coding strand, the complement: FBN1 is on the minus strand). VCF-style: chr15-48488191-C-T. GRCh37 (hg19) VCF-style: chr15-48780388-C-T.
Other names: c.3259G>A, p.Val1087Met (NM_001406716.1); short protein forms V1087M.
Identifiers: ClinVar variation 2925961 (VCV002925961.3), dbSNP rs2043525424, ClinGen allele CA392327431.

ClinVar aggregate classification (germline): Uncertain significance (1 of 4 stars; one submission).

Conditions:
Marfan syndrome (MFS). Also called: MARFAN SYNDROME, TYPE I; Marfan syndrome type 1; Marfan's syndrome; Marfan syndrome, classic; FBN1-Related Marfan Syndrome. Identifiers: Orphanet 284963, Orphanet 558, MedGen C0024796, MONDO:0007947, OMIM 154700.
Familial thoracic aortic aneurysm and aortic dissection (TAAD). Also called: Thoracic aortic aneurysms and dissections. Identifiers: Orphanet 91387, MedGen C4707243, MONDO:0019625.

Allele frequency attached by ClinVar (database versions not stated): TOPMed 0.00001; gnomAD 0.00001.
gnomAD v4.1: 1 of 1,614,112 alleles (0.000062%); highest among the groups gnomAD compares: Admixed American, 0.0017%; no homozygotes.

Submission:

Labcorp Genetics (formerly Invitae), Labcorp
Classification: Uncertain significance for Marfan syndrome; Familial thoracic aortic aneurysm and aortic dissection. Last evaluated: 2025-04-03. Review status: criteria provided, single submitter. Criteria: Invitae Variant Classification Sherloc (09022015). Collection method: clinical testing. Allele origin: germline.
Comment: This sequence change replaces valine, which is neutral and non-polar, with methionine, which is neutral and non-polar, at codon 1087 of the FBN1 protein (p.Val1087Met). This variant is not present in population databases (gnomAD no frequency). This variant has not been reported in the literature in individuals affected with FBN1-related conditions. ClinVar contains an entry for this variant (Variation ID: 2925961). Invitae Evidence Modeling of protein sequence and biophysical properties (such as structural, functional, and spatial information, amino acid conservation, physicochemical variation, residue mobility, and thermodynamic stability) has been performed for this missense variant. However, the output from this modeling did not meet the statistical confidence thresholds required to predict the impact of this variant on FBN1 protein function. In summary, the available evidence is currently insufficient to determine the role of this variant in disease. Therefore, it has been classified as a Variant of Uncertain Significance.